The following is an entry in ClinVar:

NM_001348768.2(HECW2):c.3041T>C (p.Ile1014Thr)

Gene: HECW2 (HECT, C2 and WW domain containing E3 ubiquitin protein ligase 2; minus strand). Cytogenetic location: 2q32.3.
Variant type: single nucleotide variant.
Coding change: c.3041T>C on transcript NM_001348768.2 (MANE Select); coding-DNA position 3041, T replaced by C.
Protein change: p.Ile1014Thr; replaces isoleucine 1014 with threonine.
Molecular consequence: missense variant.
Genome position (GRCh38, 1-based): chr2:196,278,622, A>G on the plus strand (T>C on the coding strand, the complement: HECW2 is on the minus strand). VCF-style: chr2-196278622-A-G. GRCh37 (hg19) VCF-style: chr2-197143346-A-G.
Other names: c.1973T>C, p.Ile658Thr (NM_001304840.3); c.3041T>C, p.Ile1014Thr (NM_020760.4); short protein forms I1014T, I658T.
Identifiers: ClinVar variation 1315404 (VCV001315404.3), dbSNP rs1690068658, ClinGen allele CA349955910.

ClinVar aggregate classification (germline): Uncertain significance. Review status: criteria provided, multiple submitters, no conflicts (2 of 4 stars). 2 submissions from 2 submitters: Uncertain significance (2). Last evaluated 2023-04-24.

Allele frequency attached by ClinVar (database versions not stated): gnomAD exomes below 0.00001; TOPMed 0.00001.
gnomAD v4.1: 4 of 1,614,084 alleles (0.00025%); highest among the groups gnomAD compares: Non-Finnish European, 0.00034%; no homozygotes.

Submissions (2):

Greenwood Genetic Center Diagnostic Laboratories, Greenwood Genetic Center
Classification: Uncertain significance. Last evaluated: 2023-04-24. Review status: criteria provided, single submitter. Criteria: ACMG Guidelines, 2015. Collection method: clinical testing. Allele origin: germline. Affected: yes.
Comment: PM2, PP2, PP3

GeneDx
Classification: Uncertain significance. Last evaluated: 2020-03-18. Review status: criteria provided, single submitter. Criteria: GeneDx Variant Classification Process June 2021. Collection method: clinical testing. Allele origin: germline. Affected: yes.
Comment: Not observed in large population cohorts (Lek et al., 2016); In silico analysis supports that this missense variant has a deleterious effect on protein structure/function; Has not been previously published as pathogenic or benign to our knowledge